The following is an entry in ClinVar:

ClinVar aggregate classification (germline): Likely pathogenic (1 of 4 stars; one submission).

Conditions:
Maple syrup urine disease (MSUD). Identifiers: Orphanet 511, MedGen C0024776, MeSH D008375, MONDO:0009563. Disease mechanism: loss of function.

Submission:

Labcorp Genetics (formerly Invitae), Labcorp
Classification: Likely pathogenic for Maple syrup urine disease. Last evaluated: 2026-01-14. Review status: criteria provided, single submitter. Criteria: Invitae Variant Classification Sherloc (09022015). Collection method: clinical testing. Allele origin: germline.
Comment: This sequence change affects a donor splice site in intron 1 of the DBT gene. It is expected to disrupt RNA splicing. Variants that disrupt the donor or acceptor splice site typically lead to a loss of protein function (PMID: 16199547), and loss-of-function variants in DBT are known to be pathogenic (PMID: 16579849, 16786533). This variant is not present in population databases (gnomAD no frequency). This variant has not been reported in the literature in individuals affected with DBT-related conditions. Algorithms developed to predict the effect of sequence changes on RNA splicing suggest that this variant may disrupt the consensus splice site. In summary, the currently available evidence indicates that the variant is pathogenic, but additional data are needed to prove that conclusively. Therefore, this variant has been classified as Likely Pathogenic.

Literature cited by the submitters: PubMed 16199547; PubMed 16579849; PubMed 16786533.

NM_001918.5(DBT):c.51+1G>A

Gene: DBT (dihydrolipoamide branched chain transacylase E2; minus strand). Cytogenetic location: 1p21.2.
Variant type: single nucleotide variant.
Coding change: c.51+1G>A on transcript NM_001918.5 (MANE Select); the canonical splice donor site of the intron after coding-DNA position 51, G replaced by A.
Molecular consequence: splice donor variant.
Genome position (GRCh38, 1-based): chr1:100,249,769, C>T on the plus strand (G>A on the coding strand, the complement: DBT is on the minus strand). VCF-style: chr1-100249769-C-T. GRCh37 (hg19) VCF-style: chr1-100715325-C-T.
Other names: c.-553+1G>A (NM_001399972.1); c.-680+1G>A (NM_001399969.1).
Identifiers: ClinVar variation 4735436 (VCV004735436.1).